The following is an entry in ClinVar:

ClinVar aggregate classification (germline): Uncertain significance (1 of 4 stars; one submission).

Submission:

Labcorp Genetics (formerly Invitae), Labcorp
Classification: Uncertain significance. Last evaluated: 2024-02-24. Review status: criteria provided, single submitter. Criteria: Invitae Variant Classification Sherloc (09022015). Collection method: clinical testing. Allele origin: germline.
Comment: This sequence change replaces tyrosine, which is neutral and polar, with histidine, which is basic and polar, at codon 148 of the SLC24A5 protein (p.Tyr148His). This variant is not present in population databases (gnomAD no frequency). This variant has not been reported in the literature in individuals affected with SLC24A5-related conditions. ClinVar contains an entry for this variant (Variation ID: 2097246). Advanced modeling of protein sequence and biophysical properties (such as structural, functional, and spatial information, amino acid conservation, physicochemical variation, residue mobility, and thermodynamic stability) performed at Invitae indicates that this missense variant is expected to disrupt SLC24A5 protein function with a positive predictive value of 80%. In summary, the available evidence is currently insufficient to determine the role of this variant in disease. Therefore, it has been classified as a Variant of Uncertain Significance.

NM_205850.3(SLC24A5):c.442T>C (p.Tyr148His)

Gene: SLC24A5 (solute carrier family 24 member 5; plus strand). Cytogenetic location: 15q21.1.
Variant type: single nucleotide variant.
Coding change: c.442T>C on transcript NM_205850.3 (MANE Select); coding-DNA position 442, T replaced by C.
Protein change: p.Tyr148His; replaces tyrosine 148 with histidine.
Molecular consequence: missense variant.
Genome position (GRCh38, 1-based): chr15:48,134,491, T>C. VCF-style: chr15-48134491-T-C. GRCh37 (hg19) VCF-style: chr15-48426688-T-C.
Other names: short protein forms Y148H.
Identifiers: ClinVar variation 2097246 (VCV002097246.4), dbSNP rs2504594788, ClinGen allele CA392450282.